The following is an entry in ClinVar:

NM_006767.4(LZTR1):c.1785+3G>A

Gene: LZTR1 (leucine zipper like post translational regulator 1; plus strand). Cytogenetic location: 22q11.21.
Variant type: single nucleotide variant.
Coding change: c.1785+3G>A on transcript NM_006767.4 (MANE Select); 3 bases into the intron after coding-DNA position 1785, G replaced by A.
Molecular consequence: intron variant.
Genome position (GRCh38, 1-based): chr22:20,994,730, G>A. VCF-style: chr22-20994730-G-A. GRCh37 (hg19) VCF-style: chr22-21349019-G-A.
Other names: c.1785+3G>A (NM_006767.3).
Identifiers: ClinVar variation 2178823 (VCV002178823.6), dbSNP rs771424110, ClinGen allele CA10119056.

ClinVar aggregate classification (germline): Uncertain significance. Review status: criteria provided, multiple submitters, no conflicts (2 of 4 stars). 2 submissions from 2 submitters: Uncertain significance (2). Last evaluated 2024-07-08.

Conditions:
Cardiovascular phenotype. Identifiers: MedGen CN230736.
Hereditary cancer-predisposing syndrome. Also called: Hereditary Cancer Syndrome; Neoplastic Syndromes, Hereditary; Tumor predisposition; Hereditary neoplastic syndrome. Identifiers: Orphanet 140162, MedGen C0027672, MeSH D009386, MONDO:0015356.

Allele frequency attached by ClinVar (database versions not stated): gnomAD exomes below 0.00001; TOPMed below 0.00001; gnomAD 0.00001; ExAC 0.00003.
gnomAD v4.1: 3 of 1,610,690 alleles (0.00019%); highest among the groups gnomAD compares: Non-Finnish European, 0.00025%; no homozygotes.

Submissions (2):

Labcorp Genetics (formerly Invitae), Labcorp
Classification: Uncertain significance. Last evaluated: 2024-07-08. Review status: criteria provided, single submitter. Criteria: Invitae Variant Classification Sherloc (09022015). Collection method: clinical testing. Allele origin: germline.
Comment: This sequence change falls in intron 15 of the LZTR1 gene. It does not directly change the encoded amino acid sequence of the LZTR1 protein. It affects a nucleotide within the consensus splice site. This variant is present in population databases (rs771424110, gnomAD 0.002%). This variant has not been reported in the literature in individuals affected with LZTR1-related conditions. ClinVar contains an entry for this variant (Variation ID: 2178823). Variants that disrupt the consensus splice site are a relatively common cause of aberrant splicing (PMID: 17576681, 9536098). Algorithms developed to predict the effect of sequence changes on RNA splicing suggest that this variant is not likely to affect RNA splicing. In summary, the available evidence is currently insufficient to determine the role of this variant in disease. Therefore, it has been classified as a Variant of Uncertain Significance.

Ambry Genetics
Classification: Uncertain significance for Cardiovascular phenotype; Hereditary cancer-predisposing syndrome. Last evaluated: 2023-03-01. Review status: criteria provided, single submitter. Criteria: Ambry Variant Classification Scheme 2023. Collection method: clinical testing. Allele origin: germline.
Comment: The c.1785+3G>A intronic variant results from a G to A substitution 3 nucleotides after coding exon 15 in the LZTR1 gene. This nucleotide position is not well conserved in available vertebrate species. In silico splice site analysis predicts that this alteration will not have any significant effect on splicing. Since supporting evidence is limited at this time, the clinical significance of this alteration remains unclear.

Literature cited by the submitters: PubMed 17576681 (cited by Labcorp Genetics (formerly Invitae), Labcorp); PubMed 9536098 (cited by Labcorp Genetics (formerly Invitae), Labcorp).